The following is an entry in ClinVar:

ClinVar aggregate classification (germline): Uncertain significance. Review status: criteria provided, multiple submitters, no conflicts (2 of 4 stars). 2 submissions from 2 submitters: Uncertain significance (2). Last evaluated 2025-11-10.

Conditions:
Inborn genetic diseases. Identifiers: MedGen C0950123, MeSH D030342.

Allele frequency attached by ClinVar (database versions not stated): gnomAD exomes below 0.00001; ExAC 0.00001; TOPMed 0.00003; gnomAD 0.00004; ESP Exome Variant Server 0.00008.
gnomAD v4.1: 7 of 1,613,662 alleles (0.00043%); highest among the groups gnomAD compares: African/African-American, 0.0093%; no homozygotes.

Submissions (2):

Labcorp Genetics (formerly Invitae), Labcorp
Classification: Uncertain significance. Last evaluated: 2025-11-10. Review status: criteria provided, single submitter. Criteria: Invitae Variant Classification Sherloc (09022015). Collection method: clinical testing. Allele origin: germline.
Comment: This sequence change replaces valine, which is neutral and non-polar, with methionine, which is neutral and non-polar, at codon 97 of the SLC24A1 protein (p.Val97Met). This variant is present in population databases (rs370655821, gnomAD 0.008%). This variant has not been reported in the literature in individuals affected with SLC24A1-related conditions. ClinVar contains an entry for this variant (Variation ID: 1374206). An algorithm developed to predict the effect of missense changes on protein structure and function (PolyPhen-2) suggests that this variant is likely to be disruptive. In summary, the available evidence is currently insufficient to determine the role of this variant in disease. Therefore, it has been classified as a Variant of Uncertain Significance.

Ambry Genetics
Classification: Uncertain significance for Inborn genetic diseases. Last evaluated: 2024-08-26. Review status: criteria provided, single submitter. Criteria: Ambry Variant Classification Scheme 2023. Collection method: clinical testing. Allele origin: germline.

NM_004727.3(SLC24A1):c.289G>A (p.Val97Met)

Gene: SLC24A1 (solute carrier family 24 member 1; plus strand). Cytogenetic location: 15q22.31.
Variant type: single nucleotide variant.
Coding change: c.289G>A on transcript NM_004727.3 (MANE Select); coding-DNA position 289, G replaced by A.
Protein change: p.Val97Met; replaces valine 97 with methionine.
Molecular consequence: missense variant.
Genome position (GRCh38, 1-based): chr15:65,624,369, G>A. VCF-style: chr15-65624369-G-A. GRCh37 (hg19) VCF-style: chr15-65916707-G-A.
Other names: c.289G>A, p.Val97Met (NM_001301031.1, NM_001301032.1, NM_001301033.2); c.289G>A (NM_004727.2); short protein forms V97M.
Identifiers: ClinVar variation 1374206 (VCV001374206.7), dbSNP rs370655821, ClinGen allele CA7619727.